The following is an entry in ClinVar:

ClinVar aggregate classification (germline): Benign. Review status: criteria provided, multiple submitters, no conflicts (2 of 4 stars). 8 submissions from 8 submitters: Benign (8). Last evaluated 2026-02-04.

Conditions:
Ehlers-Danlos syndrome, spondylodysplastic type, 3. Also called: Ehlers-Danlos syndrome, spondylocheirodysplastic type. Identifiers: Orphanet 157965, MedGen C2676510, MONDO:0012873, OMIM 612350.

Allele frequency attached by ClinVar (database versions not stated): TOPMed 0.23374; ESP Exome Variant Server 0.24581; 1000 Genomes Project 0.27057; gnomAD 0.25113; 1000 Genomes Project 30x 0.26109.
gnomAD v4.1: 516,132 of 1,613,866 alleles (32%); highest among the groups gnomAD compares: South Asian, 45%; 87,445 homozygotes.

Submissions (8):

Labcorp Genetics (formerly Invitae), Labcorp
Classification: Benign for Ehlers-Danlos syndrome, spondylodysplastic type, 3. Last evaluated: 2026-02-04. Review status: criteria provided, single submitter. Criteria: Invitae Variant Classification Sherloc (09022015). Collection method: clinical testing. Allele origin: germline.

Women's Health and Genetics/Laboratory Corporation of America, LabCorp
Classification: Benign. Last evaluated: 2026-01-21. Review status: criteria provided, single submitter. Criteria: LabCorp Variant Classification Summary - May 2015. Collection method: clinical testing. Allele origin: germline.

Blueprint Genetics
Classification: Benign. Last evaluated: 2024-11-27. Review status: criteria provided, single submitter. Criteria: ACMG Guidelines, 2015. Collection method: clinical testing. Allele origin: germline.

Genome-Nilou Lab
Classification: Benign for Ehlers-Danlos syndrome, spondylodysplastic type, 3. Last evaluated: 2021-07-15. Review status: criteria provided, single submitter. Criteria: ACMG Guidelines, 2015. Collection method: clinical testing. Allele origin: germline. Affected: no.

Mayo Clinic Laboratories, Mayo Clinic
Classification: Benign. Last evaluated: 2019-03-13. Review status: criteria provided, single submitter. Criteria: ACMG Guidelines, 2015. Collection method: clinical testing. Allele origin: germline. Observed: 2,267 variant alleles.

GeneDx
Classification: Benign. Last evaluated: 2016-09-30. Review status: criteria provided, single submitter. Criteria: GeneDx Variant Classification (06012015). Collection method: clinical testing. Allele origin: germline. Affected: yes.
Comment: This variant is considered likely benign or benign based on one or more of the following criteria: it is a conservative change, it occurs at a poorly conserved position in the protein, it is predicted to be benign by multiple in silico algorithms, and/or has population frequency not consistent with disease.

Laboratory for Molecular Medicine, Mass General Brigham Personalized Medicine
Classification: Benign. Last evaluated: 2016-04-25. Review status: criteria provided, single submitter. Criteria: LMM Criteria. Collection method: clinical testing. Allele origin: germline.
Comment: Variant identified in a genome or exome case(s) and assessed due to predicted null impact of the variant or pathogenic assertions in the literature or databases. Disclaimer: This variant has not undergone full assessment. The following are preliminary notes: Frequency

Breakthrough Genomics
Classification: Benign. Review status: criteria provided, single submitter. Criteria: ACMG Guidelines, 2015. Collection method: not provided. Allele origin: germline. Inheritance: Autosomal recessive inheritance. Affected: yes.

NM_001128225.3(SLC39A13):c.573G>A (p.Ala191=)

Gene: SLC39A13 (solute carrier family 39 member 13; plus strand). Cytogenetic location: 11p11.2.
Variant type: single nucleotide variant.
Coding change: c.573G>A on transcript NM_001128225.3 (MANE Select); coding-DNA position 573, G replaced by A.
Protein change: p.Ala191=; no amino-acid change (alanine 191 retained).
Molecular consequence: synonymous variant. On other transcripts: non-coding transcript variant (1).
Genome position (GRCh38, 1-based): chr11:47,413,435, G>A. VCF-style: chr11-47413435-G-A. GRCh37 (hg19) VCF-style: chr11-47434986-G-A.
Other names: p.Ala191=; c.573G>A, p.Ala191= (NM_001330245.2, NM_152264.5).
Identifiers: ClinVar variation 384707 (VCV000384707.19), dbSNP rs2293576, ClinGen allele CA5975828.